The following is an entry in ClinVar:

ClinVar aggregate classification (germline): Uncertain significance (1 of 4 stars; one submission).

Conditions:
Inborn genetic diseases. Identifiers: MedGen C0950123, MeSH D030342.

Submission:

Ambry Genetics
Classification: Uncertain significance for Inborn genetic diseases. Last evaluated: 2017-09-06. Review status: criteria provided, single submitter. Criteria: Ambry Variant Classification Scheme 2023. Collection method: clinical testing. Allele origin: germline.
Comment: The c.1323_1325delAAG variant (also known as p.R441del) is located in coding exon 11 of the SLC9A6 gene. This variant results from an in-frame AAG deletion at nucleotide positions 1323 to 1325. This results in the in-frame deletion of an arginine at codon 441. This amino acid position is highly conserved in available vertebrate species. In addition, this alteration is predicted to be deleterious by PROVEAN in silico analysis (Choi Y et al., PLoS ONE 2012; 7(10):e46688). Since supporting evidence is limited at this time, the clinical significance of this alteration remains unclear.

NM_001379110.1(SLC9A6):c.1260AAG[1] (p.Arg421del)

Gene: SLC9A6 (solute carrier family 9 member A6; plus strand). Cytogenetic location: Xq26.3.
Variant type: Microsatellite.
Coding change: c.1260AAG[1] on transcript NM_001379110.1 (MANE Select); one copy of the 3-base unit AAG starting at c.1260; the reference has two copies in a row; one copy, 3 bases deleted.
Protein change: p.Arg421del; deletes arginine 421.
Molecular consequence: inframe deletion.
Genome position (GRCh38, 1-based): chrX:136,022,654-136,022,656, AAG deleted; deleting any 3 consecutive bases within chrX:136,022,649-136,022,656 gives the same sequence; the position shown is the placement nearest the transcript's 3' end. VCF-style (leftmost placement, unchanged base first): chrX-136022648-TAGA-T. GRCh37 (hg19) VCF-style: chrX-135104807-TAGA-T.
Other names: c.1416AAG[1], p.Arg473del (NM_001042537.2); c.1260AAG[1], p.Arg421del (NM_001177651.2, NM_001400909.1, NM_001400910.1 and 2 more transcripts); c.1164AAG[1], p.Arg389del (NM_001330652.2, NM_001400913.1); c.1320AAG[1], p.Arg441del (NM_006359.3); short protein forms R473del, R421del, R441del, R389del.
Identifiers: ClinVar variation 1769938 (VCV001769938.2), dbSNP rs2521367951, ClinGen allele CA2580612302.